The following is an entry in ClinVar:

NM_001113378.2(FANCI):c.3146T>A (p.Leu1049Ter)

Gene: FANCI (FA complementation group I; plus strand). Cytogenetic location: 15q26.1.
Variant type: single nucleotide variant.
Coding change: c.3146T>A on transcript NM_001113378.2 (MANE Select); coding-DNA position 3146, T replaced by A.
Protein change: p.Leu1049Ter; replaces leucine 1049 with a stop codon.
Molecular consequence: nonsense.
Genome position (GRCh38, 1-based): chr15:89,305,202, T>A. VCF-style: chr15-89305202-T-A. GRCh37 (hg19) VCF-style: chr15-89848433-T-A.
Other names: c.2867T>A, p.Leu956Ter (NM_001376910.1); c.3146T>A, p.Leu1049Ter (NM_001376911.1); c.2966T>A, p.Leu989Ter (NM_018193.3); short protein forms L1049*, L956*, L989*.
Identifiers: ClinVar variation 2767346 (VCV002767346.3), dbSNP rs746544641, ClinGen allele CA7723604.

ClinVar aggregate classification (germline): Pathogenic (1 of 4 stars; one submission).

Conditions:
Fanconi anemia (FA). Also called: Fanconi's anemia. Identifiers: Orphanet 84, MedGen C0015625, MeSH D005199, MONDO:0019391.

Allele frequency attached by ClinVar (database versions not stated): gnomAD exomes 0.00001; ExAC 0.00001.
gnomAD v4.1: 11 of 1,614,244 alleles (0.00068%); highest among the groups gnomAD compares: Non-Finnish European, 0.00085%; no homozygotes.

Submission:

Labcorp Genetics (formerly Invitae), Labcorp
Classification: Pathogenic for Fanconi anemia. Last evaluated: 2025-11-23. Review status: criteria provided, single submitter. Criteria: Invitae Variant Classification Sherloc (09022015). Collection method: clinical testing. Allele origin: germline.
Comment: This sequence change creates a premature translational stop signal (p.Leu1049*) in the FANCI gene. It is expected to result in an absent or disrupted protein product. Loss-of-function variants in FANCI are known to be pathogenic (PMID: 17452773, 17460694). This variant is present in population databases (rs746544641, gnomAD 0.002%). This variant has not been reported in the literature in individuals affected with FANCI-related conditions. ClinVar contains an entry for this variant (Variation ID: 2767346). For these reasons, this variant has been classified as Pathogenic.

Literature cited by the submitters: PubMed 17452773; PubMed 17460694.